The following is an entry in ClinVar:

NM_003803.4(MYOM1):c.4301G>A (p.Arg1434Gln)

Gene: MYOM1 (myomesin 1; minus strand). Cytogenetic location: 18p11.31.
Variant type: single nucleotide variant.
Coding change: c.4301G>A on transcript NM_003803.4 (MANE Select); coding-DNA position 4301, G replaced by A.
Protein change: p.Arg1434Gln; replaces arginine 1434 with glutamine.
Molecular consequence: missense variant.
Genome position (GRCh38, 1-based): chr18:3,085,083, C>T on the plus strand (G>A on the coding strand, the complement: MYOM1 is on the minus strand). VCF-style: chr18-3085083-C-T. GRCh37 (hg19) VCF-style: chr18-3085081-C-T.
Other names: c.4013G>A, p.Arg1338Gln (NM_019856.2); short protein forms R1434Q, R1338Q.
Identifiers: ClinVar variation 410259 (VCV000410259.10), dbSNP rs776173695, ClinGen allele CA8873985.
Genomic context (GRCh38, chr18:3,085,083, plus strand): 5'-CCCCAGCAGTTGGTGGACTGACCTTCATCCACAAGCTTCAGTCTGCTCTTATCTTTTCCT[C>T]GGTCATCTTTCAGGATAACTTCATAAATCCCAGCATCTTTCTTGGAAAACTAAGGGGGAA-3'
Protein context (NP_003794.3, residues 1424-1444): GIYEVILKDD[Arg1434Gln]GKDKSRLKLV

ClinVar aggregate classification (germline): Uncertain significance. Review status: criteria provided, multiple submitters, no conflicts (2 of 4 stars). 2 submissions from 2 submitters: Uncertain significance (2). Last evaluated 2025-09-03.

Conditions:
Hypertrophic cardiomyopathy. Also called: HYPERTROPHIC MYOCARDIOPATHY. Identifiers: Orphanet 217569, MedGen C0007194, MeSH D002312, MONDO:0005045, HP:0001639.

Allele frequency attached by ClinVar (database versions not stated): gnomAD exomes 0.00002 and 0.00003; ExAC 0.00003; TOPMed 0.00003; gnomAD 0.00004.
gnomAD v4.1: 30 of 1,608,982 alleles (0.0019%); highest among the groups gnomAD compares: African/African-American, 0.012%; no homozygotes.

Submissions (2):

Labcorp Genetics (formerly Invitae), Labcorp
Classification: Uncertain significance for Hypertrophic cardiomyopathy. Last evaluated: 2025-09-03. Review status: criteria provided, single submitter. Criteria: Invitae Variant Classification Sherloc (09022015). Collection method: clinical testing. Allele origin: germline.
Comment: This sequence change replaces arginine, which is basic and polar, with glutamine, which is neutral and polar, at codon 1434 of the MYOM1 protein (p.Arg1434Gln). This variant is present in population databases (rs776173695, gnomAD 0.01%). This variant has not been reported in the literature in individuals affected with MYOM1-related conditions. ClinVar contains an entry for this variant (Variation ID: 410259). Invitae Evidence Modeling of protein sequence and biophysical properties (such as structural, functional, and spatial information, amino acid conservation, physicochemical variation, residue mobility, and thermodynamic stability) indicates that this missense variant is expected to disrupt MYOM1 protein function with a positive predictive value of 80%. In summary, the available evidence is currently insufficient to determine the role of this variant in disease. Therefore, it has been classified as a Variant of Uncertain Significance.

Ambry Genetics
Classification: Uncertain significance. Last evaluated: 2023-03-13. Review status: criteria provided, single submitter. Criteria: Ambry Variant Classification Scheme 2023. Collection method: clinical testing. Allele origin: germline.
Comment: The p.R1434Q variant (also known as c.4301G>A), located in coding exon 30 of the MYOM1 gene, results from a G to A substitution at nucleotide position 4301. The arginine at codon 1434 is replaced by glutamine, an amino acid with highly similar properties. This amino acid position is conserved. In addition, the in silico prediction for this alteration is inconclusive. Since supporting evidence is limited at this time, the clinical significance of this alteration remains unclear.